The following is an entry in ClinVar:

NM_002470.4(MYH3):c.1127C>A (p.Pro376Gln)

Gene: MYH3 (myosin heavy chain 3; minus strand). Cytogenetic location: 17p13.1.
Variant type: single nucleotide variant.
Coding change: c.1127C>A on transcript NM_002470.4 (MANE Select); coding-DNA position 1127, C replaced by A.
Protein change: p.Pro376Gln; replaces proline 376 with glutamine.
Molecular consequence: missense variant.
Genome position (GRCh38, 1-based): chr17:10,645,721, G>T on the plus strand (C>A on the coding strand, the complement: MYH3 is on the minus strand). VCF-style: chr17-10645721-G-T. GRCh37 (hg19) VCF-style: chr17-10549038-G-T.
Other names: short protein forms P376Q.
Identifiers: ClinVar variation 4860551 (VCV004860551.1).

ClinVar aggregate classification (germline): Uncertain significance (1 of 4 stars; one submission).

Conditions:
Inborn genetic diseases. Identifiers: MedGen C0950123, MeSH D030342.

Submission:

Ambry Genetics
Classification: Uncertain significance for Inborn genetic diseases. Last evaluated: 2026-04-30. Review status: criteria provided, single submitter. Criteria: Ambry Variant Classification Scheme 2023. Collection method: clinical testing. Allele origin: germline.
Comment: The c.1127C>A (p.P376Q) alteration is located in exon 12 (coding exon 10) of the MYH3 gene. This alteration results from a C to A substitution at nucleotide position 1127, causing the proline (P) at amino acid position 376 to be replaced by a glutamine (Q). Based on data from gnomAD, the A allele has an overall frequency of <0.001% (1/251358) total alleles studied. The highest observed frequency was 0.001% (1/113650) of European (non-Finnish) alleles. Based on insufficient or conflicting evidence, the clinical significance of this alteration remains unclear.